The following is an entry in ClinVar:

NM_001009944.3(PKD1):c.823del (p.Ala275fs)

Gene: PKD1 (polycystin 1, transient receptor potential channel interacting; minus strand). Cytogenetic location: 16p13.3.
Variant type: Deletion.
Coding change: c.823del on transcript NM_001009944.3 (MANE Select); coding-DNA position 823, one base deleted (G; older notation c.823delG).
Protein change: p.Ala275fs; shifts the reading frame from alanine 275.
Molecular consequence: frameshift variant.
Genome position (GRCh38, 1-based): chr16:2,118,169, C deleted on the plus strand (G on the coding strand, the reverse complement: PKD1 is on the minus strand); the first of 4 consecutive C bases (chr16:2,118,169-2,118,172); deleting any one gives the same sequence. VCF-style (leftmost placement, unchanged base first): chr16-2118168-GC-G. GRCh37 (hg19) VCF-style: chr16-2168169-GC-G.
Other names: c.823del, p.Ala275fs (NM_000296.4); short protein forms A275fs.
Identifiers: ClinVar variation 3335824 (VCV003335824.2).

ClinVar aggregate classification (germline): Pathogenic (1 of 4 stars; one submission).

Conditions:
Polycystic kidney disease, adult type (PKD1). Also called: Polycystic Kidney, Autosomal Dominant; POLYCYSTIC KIDNEY DISEASE 1 WITH OR WITHOUT POLYCYSTIC LIVER DISEASE; POLYCYSTIC KIDNEY DISEASE, ADULT, TYPE I; Polycystic Kidney Disease 1, Autosomal Dominant; Polycystic kidney disease 1; Polycystic kidney disease 1, severe. Identifiers: MedGen C3149841, MONDO:0008263, OMIM 173900.

Submission:

Juno Genomics, Hangzhou Juno Genomics, Inc
Classification: Pathogenic for Polycystic kidney disease, adult type. Review status: criteria provided, single submitter. Criteria: ACMG Guidelines, 2015. Collection method: clinical testing. Allele origin: germline. Affected: yes.
Comment: Absent from controls (or at extremely low frequency if recessive) in Genome Aggregation Database, Exome Sequencing Project, 1000 Genomes Project, or Exome Aggregation Consortium.;Null variant in a gene where loss of function (LOF) is a known mechanism of disease.;Patient's phenotype or family history is highly specific for a disease with a single genetic etiology.